The following is an entry in ClinVar:

ClinVar aggregate classification (germline): Uncertain significance (1 of 4 stars; one submission).

Conditions:
Hereditary spastic paraplegia 57. Also called: Spastic paraplegia 57, autosomal recessive. Identifiers: Orphanet 431329, MedGen C3714897, MONDO:0014295, OMIM 615658.
Hereditary motor and sensory neuropathy, Okinawa type (HMSNO). Also called: HEREDITARY MOTOR AND SENSORY NEUROPATHY, PROXIMAL TYPE. Identifiers: Orphanet 90117, MedGen C1858338, MONDO:0011468, OMIM 604484.

Allele frequency attached by ClinVar (database versions not stated): ExAC 0.00001; gnomAD 0.00001; gnomAD exomes 0.00001; 1000 Genomes Project 0.00020; 1000 Genomes Project 30x 0.00031.
gnomAD v4.1: 8 of 1,607,550 alleles (0.0005%); highest among the groups gnomAD compares: Admixed American, 0.0033%; no homozygotes.

Submission:

Labcorp Genetics (formerly Invitae), Labcorp
Classification: Uncertain significance for Hereditary motor and sensory neuropathy, Okinawa type; Hereditary spastic paraplegia 57. Last evaluated: 2022-09-08. Review status: criteria provided, single submitter. Criteria: Invitae Variant Classification Sherloc (09022015). Collection method: clinical testing. Allele origin: germline.
Comment: In summary, the available evidence is currently insufficient to determine the role of this variant in disease. Therefore, it has been classified as a Variant of Uncertain Significance. Algorithms developed to predict the effect of missense changes on protein structure and function (SIFT, PolyPhen-2, Align-GVGD) all suggest that this variant is likely to be disruptive. ClinVar contains an entry for this variant (Variation ID: 1425621). This variant has not been reported in the literature in individuals affected with TFG-related conditions. This variant is present in population databases (rs200716443, gnomAD 0.003%). This sequence change replaces glycine, which is neutral and non-polar, with arginine, which is basic and polar, at codon 9 of the TFG protein (p.Gly9Arg).

NM_006070.6(TFG):c.25G>A (p.Gly9Arg)

Gene: TFG (trafficking from ER to golgi regulator; plus strand). Cytogenetic location: 3q12.2.
Variant type: single nucleotide variant.
Coding change: c.25G>A on transcript NM_006070.6 (MANE Select); coding-DNA position 25, G replaced by A.
Protein change: p.Gly9Arg; replaces glycine 9 with arginine.
Molecular consequence: missense variant.
Genome position (GRCh38, 1-based): chr3:100,713,710, G>A. VCF-style: chr3-100713710-G-A. GRCh37 (hg19) VCF-style: chr3-100432554-G-A.
Other names: c.25G>A, p.Gly9Arg (NM_001007565.2, NM_001195478.2, NM_001195479.2); short protein forms G9R.
Identifiers: ClinVar variation 1425621 (VCV001425621.7), dbSNP rs200716443, ClinGen allele CA2516951.